The following is an entry in ClinVar:

NM_006514.4(SCN10A):c.4245G>A (p.Gly1415=)

Gene: SCN10A (sodium voltage-gated channel alpha subunit 10; minus strand). Cytogenetic location: 3p22.2.
Variant type: single nucleotide variant.
Coding change: c.4245G>A on transcript NM_006514.4 (MANE Select); coding-DNA position 4245, G replaced by A.
Protein change: p.Gly1415=; no amino-acid change (glycine 1415 retained).
Molecular consequence: synonymous variant.
Genome position (GRCh38, 1-based): chr3:38,709,514, C>T on the plus strand (G>A on the coding strand, the complement: SCN10A is on the minus strand). VCF-style: chr3-38709514-C-T. GRCh37 (hg19) VCF-style: chr3-38751005-C-T.
Other names: c.4242G>A, p.Gly1414= (NM_001293306.2); c.3951G>A, p.Gly1317= (NM_001293307.2).
Identifiers: ClinVar variation 1314563 (VCV001314563.8), dbSNP rs771909114, ClinGen allele CA2319975.
Genomic context (GRCh38, chr3:38,709,514, plus strand): 5'-CAGAAACTCCTGAGCACCACTTATCTTTTTTTTCTGTTGATTGAAGTTGTCAATTATGAC[C>T]CCAACAAAGAGATTCAGTGTGAAGAAGCCTCCAAAAATGATGAAGATGACAAAGTACAAA-3'
Protein context (NP_006505.4, residues 1405-1425): GGFFTLNLFV[Gly1415=]VIIDNFNQQK

ClinVar aggregate classification (germline): Conflicting classifications of pathogenicity. Review status: criteria provided, conflicting classifications (1 of 4 stars). 3 submissions from 3 submitters: Uncertain significance (1); Likely benign (2). Last evaluated 2025-06-15.

Conditions:
Brugada syndrome. Also called: Sudden unexplained nocturnal death syndrome; Sudden unexpected nocturnal death syndrome; Sudden Unexplained Nocturnal Death Syndrome (SUNDS); Sudden Unexplained Death Syndrome. Identifiers: Orphanet 130, MedGen C1142166, MONDO:0015263.
Cardiovascular phenotype. Identifiers: MedGen CN230736.

Allele frequency attached by ClinVar (database versions not stated): gnomAD exomes 0.00001 and 0.00002; ExAC 0.00002.
gnomAD v4.1: 21 of 1,611,514 alleles (0.0013%); highest among the groups gnomAD compares: Non-Finnish European, 0.0017%; no homozygotes.

Submissions (3):

Labcorp Genetics (formerly Invitae), Labcorp
Classification: Likely benign for Brugada syndrome. Last evaluated: 2025-06-15. Review status: criteria provided, single submitter. Criteria: Invitae Variant Classification Sherloc (09022015). Collection method: clinical testing. Allele origin: germline.

Ambry Genetics
Classification: Likely benign for Cardiovascular phenotype. Last evaluated: 2023-01-14. Review status: criteria provided, single submitter. Criteria: Ambry Variant Classification Scheme 2023. Collection method: clinical testing. Allele origin: germline.

GeneDx
Classification: Uncertain significance. Last evaluated: 2021-04-07. Review status: criteria provided, single submitter. Criteria: GeneDx Variant Classification Process June 2021. Collection method: clinical testing. Allele origin: germline. Affected: yes.
Comment: Has not been previously published as pathogenic or benign to our knowledge; Not observed at a significant frequency in large population cohorts (Lek et al., 2016); In-silico analysis, which includes splice predictors and evolutionary conservation, is inconclusive as to whether the variant alters gene splicing. In the absence of RNA/functional studies, the actual effect of this sequence change is unknown